The following is an entry in ClinVar:

ClinVar aggregate classification (germline): Benign (1 of 4 stars; one submission).

Allele frequency attached by ClinVar (database versions not stated): gnomAD 0.04662 and 0.05007; 1000 Genomes Project 0.04892; 1000 Genomes Project 30x 0.05075; TOPMed 0.05199.
gnomAD v4.1: 7,037 of 152,286 alleles (4.6%); highest among the groups gnomAD compares: African/African-American, 16%; 556 homozygotes.

Submission:

GeneDx
Classification: Benign. Last evaluated: 2018-06-14. Review status: criteria provided, single submitter. Criteria: GeneDx Variant Classification (06012015). Collection method: clinical testing. Allele origin: germline. Affected: yes.
Comment: This variant is considered likely benign or benign based on one or more of the following criteria: it is a conservative change, it occurs at a poorly conserved position in the protein, it is predicted to be benign by multiple in silico algorithms, and/or has population frequency not consistent with disease.

NM_022114.4(PRDM16):c.1186+171G>A

Gene: PRDM16 (PR/SET domain 16; plus strand). Cytogenetic location: 1p36.32.
Variant type: single nucleotide variant.
Coding change: c.1186+171G>A on transcript NM_022114.4 (MANE Select); 171 bases into the intron after coding-DNA position 1186, G replaced by A.
Molecular consequence: intron variant.
Genome position (GRCh38, 1-based): chr1:3,405,819, G>A. VCF-style: chr1-3405819-G-A. GRCh37 (hg19) VCF-style: chr1-3322383-G-A.
Other names: c.1186+171G>A (NM_199454.3).
Identifiers: ClinVar variation 678625 (VCV000678625.1), dbSNP rs79350670, ClinGen allele CA10936576.